The following is an entry in ClinVar:

NM_002691.4(POLD1):c.317G>A (p.Gly106Asp)

Gene: POLD1 (DNA polymerase delta 1, catalytic subunit; plus strand). Cytogenetic location: 19q13.33.
Variant type: single nucleotide variant.
Coding change: c.317G>A on transcript NM_002691.4 (MANE Select); coding-DNA position 317, G replaced by A.
Protein change: p.Gly106Asp; replaces glycine 106 with aspartic acid.
Molecular consequence: missense variant. On other transcripts: non-coding transcript variant (1).
Genome position (GRCh38, 1-based): chr19:50,401,778, G>A. VCF-style: chr19-50401778-G-A. GRCh37 (hg19) VCF-style: chr19-50905035-G-A.
Other names: c.317G>A, p.Gly106Asp (NM_001256849.1, NM_001308632.1); short protein forms G106D.
Identifiers: ClinVar variation 3781378 (VCV003781378.2).

ClinVar aggregate classification (germline): Uncertain significance. Review status: criteria provided, multiple submitters, no conflicts (2 of 4 stars). 2 submissions from 2 submitters: Uncertain significance (2). Last evaluated 2025-04-14.

Conditions:
Hereditary cancer-predisposing syndrome. Also called: Neoplastic Syndromes, Hereditary; Tumor predisposition; Hereditary Cancer Syndrome; Hereditary neoplastic syndrome. Identifiers: Orphanet 140162, MedGen C0027672, MeSH D009386, MONDO:0015356.
POLD1-related polyposis and colorectal cancer syndrome (CRCS10). Also called: Colorectal cancer 10; COLORECTAL CANCER, SUSCEPTIBILITY TO, ON CHROMOSOME 19q; Colorectal cancer, susceptibility to, 10. Identifiers: Orphanet 220460, MedGen C2675481, MONDO:0012953, OMIM 612591.

Submissions (2):

Labcorp Genetics (formerly Invitae), Labcorp
Classification: Uncertain significance for POLD1-related polyposis and colorectal cancer syndrome. Last evaluated: 2025-04-14. Review status: criteria provided, single submitter. Criteria: Invitae Variant Classification Sherloc (09022015). Collection method: clinical testing. Allele origin: germline.
Comment: This sequence change replaces glycine, which is neutral and non-polar, with aspartic acid, which is acidic and polar, at codon 106 of the POLD1 protein (p.Gly106Asp). This variant is not present in population databases (gnomAD no frequency). This variant has not been reported in the literature in individuals affected with POLD1-related conditions. An algorithm developed to predict the effect of missense changes on protein structure and function (PolyPhen-2) suggests that this variant is likely to be tolerated. In summary, the available evidence is currently insufficient to determine the role of this variant in disease. Therefore, it has been classified as a Variant of Uncertain Significance.

Ambry Genetics
Classification: Uncertain significance for Hereditary cancer-predisposing syndrome. Last evaluated: 2025-01-05. Review status: criteria provided, single submitter. Criteria: Ambry Variant Classification Scheme 2023. Collection method: clinical testing. Allele origin: germline.
Comment: The p.G106D variant (also known as c.317G>A) is located in coding exon 3 of the POLD1 gene. The glycine at codon 106 is replaced by aspartic acid, an amino acid with similar properties. This change occurs in the first base pair of coding exon 3. This amino acid position is conserved. In addition, this alteration is predicted to be tolerated by in silico analysis. Based on the available evidence, the clinical significance of this variant remains unclear.